The following is an entry in ClinVar:

NM_003068.5(SNAI2):c.606A>G (p.Gly202=)

Gene: SNAI2 (snail family transcriptional repressor 2; minus strand). Cytogenetic location: 8q11.21.
Variant type: single nucleotide variant.
Coding change: c.606A>G on transcript NM_003068.5 (MANE Select); coding-DNA position 606, A replaced by G.
Protein change: p.Gly202=; no amino-acid change (glycine 202 retained).
Molecular consequence: synonymous variant.
Genome position (GRCh38, 1-based): chr8:48,919,915, T>C on the plus strand (A>G on the coding strand, the complement: SNAI2 is on the minus strand). VCF-style: chr8-48919915-T-C. GRCh37 (hg19) VCF-style: chr8-49832474-T-C.
Identifiers: ClinVar variation 363264 (VCV000363264.21), dbSNP rs370952195, ClinGen allele CA4743474.

ClinVar aggregate classification (germline): Benign/Likely benign. Review status: criteria provided, multiple submitters, no conflicts (2 of 4 stars). 5 submissions from 5 submitters: Benign (1); Likely benign (3). 1 of the submissions does not count toward it. Last evaluated 2025-08-25.

Conditions:
Piebaldism. Also called: Piebald skin depigmentation. Identifiers: Orphanet 2884, MedGen C0080024, MONDO:0008244, OMIM 172800, HP:0007544.
SNAI2-related disorder. Also called: SNAI2-related condition.

Allele frequency attached by ClinVar (database versions not stated): TOPMed 0.00008.
gnomAD v4.1: 114 of 1,613,962 alleles (0.0071%); highest among the groups gnomAD compares: Admixed American, 0.19%; 1 homozygote.

Submissions (5):

Labcorp Genetics (formerly Invitae), Labcorp
Classification: Benign. Last evaluated: 2025-08-25. Review status: criteria provided, single submitter. Criteria: Invitae Variant Classification Sherloc (09022015). Collection method: clinical testing. Allele origin: germline.

GeneDx
Classification: Likely benign. Last evaluated: 2021-09-04. Review status: criteria provided, single submitter. Criteria: GeneDx Variant Classification Process June 2021. Collection method: clinical testing. Allele origin: germline. Affected: yes.

Laboratory for Molecular Medicine, Mass General Brigham Personalized Medicine
Classification: Likely benign. Last evaluated: 2019-02-19. Review status: criteria provided, single submitter. Criteria: LMM Criteria. Collection method: clinical testing. Allele origin: germline. Observed: 1 variant allele.
Comment: The p.Gly202Gly variant in SNAI2 is classified as likely benign because it has been identified in 0.28% (102/35440) of Latino chromosomes by gnomAD, it does not alter an amino acid residue, it is not located within the splice consensus sequence, and splice prediction algorithms do not predict a newly created splice site. ACMG/AMP Criteria applied: BS1_Supporting, BP4, BP7.

Illumina Laboratory Services, Illumina
Classification: Likely benign for Piebaldism. Last evaluated: 2018-01-13. Review status: criteria provided, single submitter. Criteria: ICSL Variant Classification Criteria 13 December 2019. Collection method: clinical testing. Allele origin: germline.
Comment: This variant was observed in the ICSL laboratory as part of a predisposition screen in an ostensibly healthy population. It had not been previously curated by ICSL or reported in the Human Gene Mutation Database (HGMD: prior to June 1st, 2018), and was therefore a candidate for classification through an automated scoring system. Utilizing variant allele frequency, disease prevalence and penetrance estimates, and inheritance mode, an automated score was calculated to assess if this variant is too frequent to cause the disease. Based on the score and internal cut-off values, a variant classified as likely benign is not then subjected to further curation. The score for this variant resulted in a classification of likely benign for this disease.

PreventionGenetics, part of Exact Sciences
Classification: Likely benign for SNAI2-related condition. Last evaluated: 2024-03-27. Review status: no assertion criteria provided. Collection method: clinical testing. Allele origin: germline. Not counted in ClinVar's aggregate classification.
Comment: This variant is classified as likely benign based on ACMG/AMP sequence variant interpretation guidelines (Richards et al. 2015 PMID: 25741868, with internal and published modifications).